The following is an entry in ClinVar:

NM_015910.7(WDPCP):c.633+1G>A

Gene: WDPCP (WD repeat containing planar cell polarity effector; minus strand). Cytogenetic location: 2p15.
Variant type: single nucleotide variant.
Coding change: c.633+1G>A on transcript NM_015910.7 (MANE Select); the canonical splice donor site of the intron after coding-DNA position 633, G replaced by A.
Molecular consequence: splice donor variant.
Genome position (GRCh38, 1-based): chr2:63,437,420, C>T on the plus strand (G>A on the coding strand, the complement: WDPCP is on the minus strand). VCF-style: chr2-63437420-C-T. GRCh37 (hg19) VCF-style: chr2-63664554-C-T.
Other names: c.633+1G>A (NM_015910.5, NM_001354045.2); c.561+1G>A (NM_001354044.2); c.156+1G>A (NM_001042692.3).
Identifiers: ClinVar variation 4955390 (VCV004955390.2).

ClinVar aggregate classification (germline): Likely pathogenic. Review status: criteria provided, multiple submitters, no conflicts (2 of 4 stars). 2 submissions from 2 submitters: Likely pathogenic (2). Last evaluated 2025-04-25.

Conditions:
WDPCP-related disorder. Also called: WDPCP-related condition.

gnomAD v4.1: 26 of 1,596,310 alleles (0.0016%); highest among the groups gnomAD compares: Non-Finnish European, 0.0022%; no homozygotes.

Submissions (2):

PreventionGenetics, part of Exact Sciences
Classification: Likely pathogenic for WDPCP-related condition. Last evaluated: 2025-04-25. Review status: criteria provided, single submitter. Criteria: ACMG Guidelines, 2015. Collection method: clinical testing. Allele origin: germline.
Comment: The WDPCP c.633+1G>A variant is predicted to disrupt the GT donor site and interfere with normal splicing. To our knowledge, this variant has not been reported in the literature or in a large population database, indicating this variant is rare. However, loss of function variants, including a variant that disrupts the consensus donor or acceptor site have been reported in patients with ciliopathies / Bardet–Biedl syndrome (Supp. Table 2, Bertoli-Avella et al. 2021. PubMed ID: 32860008; as C2orf86, Kim et al. 2010. PubMed ID: 20671153). Based on this evidence, we interpret this variant as likely pathogenic.

Blueprint Genetics
Classification: Likely pathogenic for WDPCP-related disorders. Last evaluated: 2022-03-22. Review status: criteria provided, single submitter. Criteria: ACMG Guidelines, 2015. Collection method: clinical testing. Allele origin: germline. Affected: yes. Observed: 1 variant allele.